The following is an entry in ClinVar:

NM_014252.4(SLC25A15):c.789G>A (p.Thr263=)

Gene: SLC25A15 (solute carrier family 25 member 15; plus strand). Cytogenetic location: 13q14.11.
Variant type: single nucleotide variant.
Coding change: c.789G>A on transcript NM_014252.4 (MANE Select); coding-DNA position 789, G replaced by A.
Protein change: p.Thr263=; no amino-acid change (threonine 263 retained).
Molecular consequence: synonymous variant.
Genome position (GRCh38, 1-based): chr13:40,809,550, G>A. VCF-style: chr13-40809550-G-A. GRCh37 (hg19) VCF-style: chr13-41383686-G-A.
Identifiers: ClinVar variation 391381 (VCV000391381.31), dbSNP rs144478411, ClinGen allele CA6959837.
Genomic context (GRCh38, chr13:40,809,550, plus strand): 5'-GTATCCCCAAAGGAGGGATTGTTGCAGTCTTTGACCGCCCTTTTATTTGCTAGGAATAAC[G>A]GCCTTATATTCTGGACTGAAACCTACTATGATTCGAGCATTCCCTGCCAATGGAGCACTC-3'
Protein context (NP_055067.1, residues 253-273): FINVVKNEGI[Thr263=]ALYSGLKPTM

ClinVar aggregate classification (germline): Likely benign. Review status: criteria provided, multiple submitters, no conflicts (2 of 4 stars). 4 submissions from 4 submitters: Likely benign (4). Last evaluated 2026-01-25.

Conditions:
Hyperornithinemia-hyperammonemia-homocitrullinuria syndrome (HHHS). Also called: Ornithine translocase deficiency; HHH SYNDROME. Identifiers: Orphanet 415, MedGen C0268540, MONDO:0009393, OMIM 238970.

Allele frequency attached by ClinVar (database versions not stated): gnomAD exomes 0.00003; ESP Exome Variant Server 0.00015; gnomAD 0.00015 and 0.00020; TOPMed 0.00015; 1000 Genomes Project 30x 0.00109; 1000 Genomes Project 0.00120.
gnomAD v4.1: 92 of 1,611,970 alleles (0.0057%); highest among the groups gnomAD compares: East Asian, 0.056%; 1 homozygote.

Submissions (4):

Labcorp Genetics (formerly Invitae), Labcorp
Classification: Likely benign for Hyperornithinemia-hyperammonemia-homocitrullinuria syndrome. Last evaluated: 2026-01-25. Review status: criteria provided, single submitter. Criteria: Invitae Variant Classification Sherloc (09022015). Collection method: clinical testing. Allele origin: germline.

Blueprint Genetics
Classification: Likely benign. Last evaluated: 2024-08-27. Review status: criteria provided, single submitter. Criteria: ACMG Guidelines, 2015. Collection method: clinical testing. Allele origin: germline.

CeGaT Center for Human Genetics Tuebingen
Classification: Likely benign. Last evaluated: 2024-06-01. Review status: criteria provided, single submitter. Criteria: CeGaT Center For Human Genetics Tuebingen Variant Classification Criteria Version 2. Collection method: clinical testing. Allele origin: germline. Affected: yes. Observed: 1 variant allele.
Comment: SLC25A15: BP4, BP7

GeneDx
Classification: Likely benign. Last evaluated: 2016-12-15. Review status: criteria provided, single submitter. Criteria: GeneDx Variant Classification (06012015). Collection method: clinical testing. Allele origin: germline. Affected: yes.
Comment: This variant is considered likely benign or benign based on one or more of the following criteria: it is a conservative change, it occurs at a poorly conserved position in the protein, it is predicted to be benign by multiple in silico algorithms, and/or has population frequency not consistent with disease.